The following is an entry in ClinVar:

NM_004006.3(DMD):c.4882C>A (p.Leu1628Met)

Gene: DMD (dystrophin; minus strand). Cytogenetic location: Xp21.1.
Variant type: single nucleotide variant.
Coding change: c.4882C>A on transcript NM_004006.3 (MANE Select); coding-DNA position 4882, C replaced by A.
Protein change: p.Leu1628Met; replaces leucine 1628 with methionine.
Molecular consequence: missense variant.
Genome position (GRCh38, 1-based): chrX:32,365,163, G>T on the plus strand (C>A on the coding strand, the complement: DMD is on the minus strand). VCF-style: chrX-32365163-G-T. GRCh37 (hg19) VCF-style: chrX-32383280-G-T.
Other names: c.4858C>A, p.Leu1620Met (NM_000109.4); c.4870C>A, p.Leu1624Met (NM_004009.3); c.4513C>A, p.Leu1505Met (NM_004010.3); c.859C>A, p.Leu287Met (NM_004011.4); c.850C>A, p.Leu284Met (NM_004012.4); short protein forms L1620M, L1505M, L1624M, L284M, L1628M, L287M.
Identifiers: ClinVar variation 644760 (VCV000644760.10), dbSNP rs1172674386, ClinGen allele CA412672420.

ClinVar aggregate classification (germline): Uncertain significance. Review status: criteria provided, single submitter (1 of 4 stars). 2 submissions from 2 submitters: Uncertain significance (1). 1 of the submissions does not count toward it. Last evaluated 2018-07-24.

Conditions:
Cardiomyopathy (CMYO). Also called: Cardiomyopathies. Identifiers: Orphanet 167848, MedGen C0878544, MONDO:0004994, HP:0001638. Inheritance: Various modes of inheritance.
Duchenne muscular dystrophy (DMD). Also called: MUSCULAR DYSTROPHY, PSEUDOHYPERTROPHIC PROGRESSIVE, DUCHENNE TYPE; Duchenne Muscular Dystrophy (DMD). Identifiers: Orphanet 98896, MedGen C0013264, MONDO:0010679, OMIM 310200.
Becker muscular dystrophy (BMD). Also called: MUSCULAR DYSTROPHY, PSEUDOHYPERTROPHIC PROGRESSIVE, BECKER TYPE; Becker Muscular Dystrophy (BMD). Identifiers: Orphanet 98895, MedGen C0917713, MONDO:0010311, OMIM 300376.
Dystrophin deficiency.

gnomAD v4.1: 4 of 1,210,876 alleles (0.00033%); highest among the groups gnomAD compares: South Asian, 0.007%; no homozygotes.

Submissions (2):

Labcorp Genetics (formerly Invitae), Labcorp
Classification: Uncertain significance for Duchenne muscular dystrophy. Last evaluated: 2018-07-24. Review status: criteria provided, single submitter. Criteria: Invitae Variant Classification Sherloc (09022015). Collection method: clinical testing. Allele origin: germline.
Comment: In summary, the available evidence is currently insufficient to determine the role of this variant in disease. Therefore, it has been classified as a Variant of Uncertain Significance. Algorithms developed to predict the effect of missense changes on protein structure and function are either unavailable or do not agree on the potential impact of this missense change (SIFT: "Deleterious"; PolyPhen-2: "Possibly Damaging"; Align-GVGD: "Class C0"). This variant has not been reported in the literature in individuals with DMD-related disease. This variant is not present in population databases (ExAC no frequency). This sequence change replaces leucine with methionine at codon 1628 of the DMD protein (p.Leu1628Met). The leucine residue is highly conserved and there is a small physicochemical difference between leucine and methionine.

Natera, Inc.
Classification: Uncertain significance for Becker muscular dystrophy; Cardiomyopathy; Duchenne muscular dystrophy; Dystrophin deficiency. Last evaluated: 2019-11-14. Review status: no assertion criteria provided. Collection method: clinical testing. Allele origin: germline. Not counted in ClinVar's aggregate classification.